The following is an entry in ClinVar:

NM_001136178.2(EGR2):c.-125C>T

Gene: EGR2 (early growth response 2; minus strand). Cytogenetic location: 10q21.3.
Variant type: single nucleotide variant.
Coding change: c.-125C>T on transcript NM_001136178.2; 125 bases upstream of the start codon, C replaced by T.
Molecular consequence: 5 prime UTR variant. On other transcripts: synonymous variant (1).
Genome position (GRCh38, 1-based): chr10:62,818,625, G>A on the plus strand (C>T on the coding strand, the complement: EGR2 is on the minus strand). VCF-style: chr10-62818625-G-A. GRCh37 (hg19) VCF-style: chr10-64578385-G-A.
Other names: c.15C>T, p.Leu5= (NM_001410931.1).
Identifiers: ClinVar variation 2640506 (VCV002640506.22), dbSNP rs1838312619, ClinGen allele CA1914715354.
Genomic context (GRCh38, chr10:62,818,625, plus strand): 5'-GCGCTCTGGCGGGTCCCGCGGCCCCCGCGCTGACCATGGGCAAGACGACGCCTCGGAAGG[G>A]AGTCCGACTCGCATCTCGGGCCCTGAGTCCGAAAGAACGGGGGAAAGCCGAATTATGCAA-3'

ClinVar aggregate classification (germline): Likely benign (1 of 4 stars; one submission).

Allele frequency attached by ClinVar (database versions not stated): gnomAD exomes below 0.00001.
gnomAD v4.1: 1 of 1,269,842 alleles (0.000079%); highest among the groups gnomAD compares: African/African-American, 0.0015%; no homozygotes.

Submission:

CeGaT Center for Human Genetics Tuebingen
Classification: Likely benign. Last evaluated: 2023-09-01. Review status: criteria provided, single submitter. Criteria: CeGaT Center For Human Genetics Tuebingen Variant Classification Criteria Version 2. Collection method: clinical testing. Allele origin: germline. Affected: yes. Observed: 1 variant allele.
Comment: EGR2: PM2:Supporting, BP4, BP7